The following is an entry in ClinVar:

ClinVar aggregate classification (germline): Uncertain significance (1 of 4 stars; one submission).

Submission:

GeneDx
Classification: Uncertain significance. Last evaluated: 2023-11-14. Review status: criteria provided, single submitter. Criteria: GeneDx Variant Classification Process June 2021. Collection method: clinical testing. Allele origin: germline. Affected: yes.
Comment: Not observed at significant frequency in large population cohorts (gnomAD); In silico analysis supports that this missense variant has a deleterious effect on protein structure/function; Has not been previously published as pathogenic or benign to our knowledge

NM_015057.5(MYCBP2):c.9167A>G (p.Lys3056Arg)

Gene: MYCBP2 (MYC binding protein 2; minus strand). Cytogenetic location: 13q22.3.
Variant type: single nucleotide variant.
Coding change: c.9167A>G on transcript NM_015057.5 (MANE Select); coding-DNA position 9167, A replaced by G.
Protein change: p.Lys3056Arg; replaces lysine 3056 with arginine.
Molecular consequence: missense variant.
Genome position (GRCh38, 1-based): chr13:77,097,987, T>C on the plus strand (A>G on the coding strand, the complement: MYCBP2 is on the minus strand). VCF-style: chr13-77097987-T-C. GRCh37 (hg19) VCF-style: chr13-77672122-T-C.
Other names: short protein forms K3056R.
Identifiers: ClinVar variation 3364058 (VCV003364058.1).